The following is an entry in ClinVar:

ClinVar aggregate classification (germline): Conflicting classifications of pathogenicity. Review status: criteria provided, conflicting classifications (1 of 4 stars). 2 submissions from 2 submitters: Uncertain significance (1); Likely benign (1). Last evaluated 2025-03-31.

Conditions:
Hereditary pheochromocytoma and paraganglioma. Also called: Hereditary Paraganglioma-Pheochromocytoma Syndromes; Hereditary paragangliomas and pheochromocytomas; Hereditary pheochromocytoma-paraganglioma. Identifiers: Orphanet 29072, MedGen C4274332, MONDO:0017366.

Allele frequency attached by ClinVar (database versions not stated): gnomAD exomes 0.00001; TOPMed 0.00001.
gnomAD v4.1: 16 of 1,533,200 alleles (0.001%); highest among the groups gnomAD compares: Non-Finnish European, 0.0014%; no homozygotes.

Submissions (2):

Labcorp Genetics (formerly Invitae), Labcorp
Classification: Likely benign for Hereditary pheochromocytoma and paraganglioma. Last evaluated: 2025-03-31. Review status: criteria provided, single submitter. Criteria: Invitae Variant Classification Sherloc (09022015). Collection method: clinical testing. Allele origin: germline.

Quest Diagnostics Nichols Institute San Juan Capistrano
Classification: Uncertain significance. Last evaluated: 2024-07-02. Review status: criteria provided, single submitter. Criteria: Quest Diagnostics criteria. Collection method: clinical testing. Allele origin: unknown.
Comment: The MAX c.171+6T>C variant has not been reported in individuals with MAX-related conditions in the published literature. It also has not been reported in large, multi-ethnic general populations (Genome Aggregation Database). Analysis of this variant using software algorithms for the prediction of the effect of nucleotide changes on splicing yielded predictions that this variant does not affect MAX mRNA splicing. Based on the available information, we are unable to determine the clinical significance of this variant.

NM_002382.5(MAX):c.171+6T>C

Genes: MAX (MYC associated transcriptional regulator X; minus strand), MAX-AS1 (MAX antisense RNA 1; plus strand). Cytogenetic location: 14q23.3.
Variant type: single nucleotide variant.
Coding change: c.171+6T>C on transcript NM_002382.5 (MANE Select); 6 bases into the intron after coding-DNA position 171, T replaced by C.
Molecular consequence: intron variant. On other transcripts: non-coding transcript variant (1).
Genome position (GRCh38, 1-based): chr14:65,093,702, A>G on the plus strand (T>C on the coding strand, the complement: MAX is on the minus strand). VCF-style: chr14-65093702-A-G. GRCh37 (hg19) VCF-style: chr14-65560420-A-G.
Other names: c.144+6T>C (NM_001271069.2, NM_145112.3, NM_001271068.2); c.171+6T>C (NM_197957.4, NM_145113.3, NM_145114.3); c.-104+6T>C (NM_001320415.2).
Identifiers: ClinVar variation 404102 (VCV000404102.11), dbSNP rs1060500098, ClinGen allele CA16614455.
Genomic context (GRCh38, chr14:65,093,702, plus strand): 5'-TGCTAAGCTCTGCAACAAGTTCCAAGCTAGTAGTGGCCAGCTACTCAGCTTTCTCAGGAA[A>G]CTCACCTTCTCTCCTTGGAGTGATGGGACTGAGTCCCGCAAACTGTGAAAGCTGTCTTTG-3'